The following is an entry in ClinVar:

NM_003070.5(SMARCA2):c.3347G>C (p.Gly1116Ala)

Gene: SMARCA2 (SWI/SNF related BAF chromatin remodeling complex subunit ATPase 2; plus strand). Cytogenetic location: 9p24.3.
Variant type: single nucleotide variant.
Coding change: c.3347G>C on transcript NM_003070.5 (MANE Select); coding-DNA position 3347, G replaced by C.
Protein change: p.Gly1116Ala; replaces glycine 1116 with alanine.
Molecular consequence: missense variant.
Genome position (GRCh38, 1-based): chr9:2,110,308, G>C. VCF-style: chr9-2110308-G-C. GRCh37 (hg19) VCF-style: chr9-2110308-G-C.
Other names: c.3347G>C, p.Gly1116Ala (NM_001289396.2, NM_139045.4); c.3173G>C, p.Gly1058Ala (NM_001289397.2); short protein forms G1058A, G1116A.
Identifiers: ClinVar variation 4700220 (VCV004700220.1).
Genomic context (GRCh38, chr9:2,110,308, plus strand): 5'-CCTCAGGCACCACCAAGTCTGAAGATCGTGCTGCTTTGCTGAAGAAATTCAATGAACCTG[G>C]ATCCCAGTATTTCATTTTCTTGCTGAGCACAAGAGCTGGTGGCCTGGGCTTAAATCTTCA-3'
Protein context (NP_003061.3, residues 1106-1126): AALLKKFNEP[Gly1116Ala]SQYFIFLLST

ClinVar aggregate classification (germline): Uncertain significance (1 of 4 stars; one submission).

gnomAD v4.1: 3 of 1,613,556 alleles (0.00019%); highest among the groups gnomAD compares: Admixed American, 0.0017%; no homozygotes.

Submission:

Labcorp Genetics (formerly Invitae), Labcorp
Classification: Uncertain significance. Last evaluated: 2025-06-02. Review status: criteria provided, single submitter. Criteria: Invitae Variant Classification Sherloc (09022015). Collection method: clinical testing. Allele origin: germline.
Comment: This sequence change replaces glycine, which is neutral and non-polar, with alanine, which is neutral and non-polar, at codon 1116 of the SMARCA2 protein (p.Gly1116Ala). This variant is not present in population databases (gnomAD no frequency). This variant has not been reported in the literature in individuals affected with SMARCA2-related conditions. Invitae Evidence Modeling of protein sequence and biophysical properties (such as structural, functional, and spatial information, amino acid conservation, physicochemical variation, residue mobility, and thermodynamic stability) indicates that this missense variant is not expected to disrupt SMARCA2 protein function with a negative predictive value of 80%. In summary, the available evidence is currently insufficient to determine the role of this variant in disease. Therefore, it has been classified as a Variant of Uncertain Significance.